The following is an entry in ClinVar:

NM_004519.4(KCNQ3):c.1885G>C (p.Val629Leu)

Gene: KCNQ3 (potassium voltage-gated channel subfamily Q member 3; minus strand). Cytogenetic location: 8q24.22.
Variant type: single nucleotide variant.
Coding change: c.1885G>C on transcript NM_004519.4 (MANE Select); coding-DNA position 1885, G replaced by C.
Protein change: p.Val629Leu; replaces valine 629 with leucine.
Molecular consequence: missense variant.
Genome position (GRCh38, 1-based): chr8:132,129,996, C>G on the plus strand (G>C on the coding strand, the complement: KCNQ3 is on the minus strand). VCF-style: chr8-132129996-C-G. GRCh37 (hg19) VCF-style: chr8-133142243-C-G.
Other names: p.V629L:GTT>CTT; c.1525G>C, p.Val509Leu (NM_001204824.2); short protein forms V629L, V509L.
Identifiers: ClinVar variation 206003 (VCV000206003.54), dbSNP rs185511111, ClinGen allele CA315670.

ClinVar aggregate classification (germline): Uncertain significance. Review status: criteria provided, multiple submitters, no conflicts (2 of 4 stars). 7 submissions from 7 submitters: Uncertain significance (6). 1 of the submissions does not count toward it. Last evaluated 2026-02-02.

Conditions:
Inborn genetic diseases. Identifiers: MedGen C0950123, MeSH D030342.
Benign neonatal seizures. Also called: Convulsions benign familial neonatal dominant form; Autosomal dominant form of benign neonatal seizures; Benign familial neonatal seizures; Benign neonatal familial convulsions; Benign familial neonatal epilepsy. Identifiers: Orphanet 1949, MedGen C0220669, MONDO:0016027.
Self-limited epilepsy with centrotemporal spikes. Also called: Rolandic epilepsy; Childhood epilepsy with centrotemporal spikes. Identifiers: Orphanet 1945, MedGen C0376532, MONDO:0007295.
Seizures, benign familial neonatal, 2. Also called: Seizures, benign neonatal, 2; KCNQ3-Related Self-Limited Familial Neonatal Epilepsy (SLFNE); CONVULSIONS, BENIGN FAMILIAL NEONATAL, 2; Benign Neonatal Epilepsy 2; KCNQ3-Related Benign Familial Neonatal Epilepsy. Identifiers: Orphanet 1949, MedGen C1852581, MONDO:0007366, OMIM 121201.

Allele frequency attached by ClinVar (database versions not stated): TOPMed 0.00012; 1000 Genomes Project 30x 0.00016; gnomAD 0.00016; 1000 Genomes Project 0.00020.
gnomAD v4.1: 136 of 1,613,100 alleles (0.0084%); highest among the groups gnomAD compares: Admixed American, 0.018%; no homozygotes.

Submissions (7):

Labcorp Genetics (formerly Invitae), Labcorp
Classification: Uncertain significance for Benign neonatal seizures. Last evaluated: 2026-02-02. Review status: criteria provided, single submitter. Criteria: Invitae Variant Classification Sherloc (09022015). Collection method: clinical testing. Allele origin: germline.
Comment: This sequence change replaces valine, which is neutral and non-polar, with leucine, which is neutral and non-polar, at codon 629 of the KCNQ3 protein (p.Val629Leu). This variant is present in population databases (rs185511111, gnomAD 0.01%). This missense change has been observed in individual(s) with rolandic epilepsy (PMID: 29358611). ClinVar contains an entry for this variant (Variation ID: 206003). An algorithm developed to predict the effect of missense changes on protein structure and function (PolyPhen-2) suggests that this variant is likely to be disruptive. In summary, the available evidence is currently insufficient to determine the role of this variant in disease. Therefore, it has been classified as a Variant of Uncertain Significance.

CeGaT Center for Human Genetics Tuebingen
Classification: Uncertain significance. Last evaluated: 2022-07-01. Review status: criteria provided, single submitter. Criteria: CeGaT Center For Human Genetics Tuebingen Variant Classification Criteria Version 2. Collection method: clinical testing. Allele origin: germline. Affected: yes. Observed: 2 variant alleles.

Ambry Genetics
Classification: Uncertain significance for Inborn genetic diseases. Last evaluated: 2020-01-15. Review status: criteria provided, single submitter. Criteria: Ambry Variant Classification Scheme 2023. Collection method: clinical testing. Allele origin: germline.
Comment: The p.V629L variant (also known as c.1885G>C) is located in coding exon 15 of the KCNQ3 gene. The valine at codon 629 is replaced by leucine, an amino acid with highly similar properties. This change occurs in the first base pair of coding exon 15. This alteration has been reported in one individual with rolandic epilepsy as well as in one control individual (Bobbili DR et al. Eur. J. Hum. Genet., 2018 02;26:258-264). This amino acid position is highly conserved in available vertebrate species. In addition, this alteration is predicted to be deleterious by in silico analysis. Since supporting evidence is limited at this time, the clinical significance of this alteration remains unclear.

Fulgent Genetics
Classification: Uncertain significance for Seizures, benign familial neonatal, 2. Last evaluated: 2018-10-31. Review status: criteria provided, single submitter. Criteria: ACMG Guidelines, 2015. Collection method: clinical testing. Allele origin: unknown.

GeneDx
Classification: Uncertain significance. Last evaluated: 2018-08-13. Review status: criteria provided, single submitter. Criteria: GeneDx Variant Classification (06012015). Collection method: clinical testing. Allele origin: germline. Affected: yes.
Comment: The V629L variant has not been published as a pathogenic variant, nor has it been reported as a benign variant to our knowledge. It was not observed in approximately 6,500 individuals of European and African American ancestry in the NHLBI Exome Sequencing Project, and it was not observed with any significant frequency in the 1000 Genomes Project, indicating it is not a common benign variant in these populations. This substitution occurs at a position that is conserved across species and in silico analysis predicts this variant is probably damaging to the protein structure/function. However, the V629L variant is a conservative amino acid substitution, which is not likely to impact secondary protein structure as these residues share similar properties. Therefore, based on the currently available information, it is unclear whether this variant is a pathogenic variant or a rare benign variant.

Athena Diagnostics
Classification: Uncertain significance. Last evaluated: 2016-12-05. Review status: criteria provided, single submitter. Criteria: Athena Diagnostics Criteria. Collection method: clinical testing. Allele origin: germline.

Bioinformatics Core, Luxembourg Center for Systems Biomedicine
Classification: Pathogenic for Self-limited epilepsy with centrotemporal spikes. Last evaluated: 2017-01-01. Review status: no assertion criteria provided. Collection method: case-control. Allele origin: germline. Affected: yes. Study: EUROEPINOMICS COGIE. Not counted in ClinVar's aggregate classification.

Literature cited by the submitters: PubMed 29358611 (cited by 3 submitters).